The following is an entry in ClinVar:

NM_003072.5(SMARCA4):c.4602G>A (p.Gln1534=)

Gene: SMARCA4 (SWI/SNF related BAF chromatin remodeling complex subunit ATPase 4; plus strand). Cytogenetic location: 19p13.2.
Variant type: single nucleotide variant.
Coding change: c.4602G>A on transcript NM_003072.5 (MANE Select); coding-DNA position 4602, G replaced by A.
Protein change: p.Gln1534=; no amino-acid change (glutamine 1534 retained).
Molecular consequence: synonymous variant. On other transcripts: non-coding transcript variant (1).
Genome position (GRCh38, 1-based): chr19:11,058,856, G>A. VCF-style: chr19-11058856-G-A. GRCh37 (hg19) VCF-style: chr19-11169532-G-A.
Other names: c.4602G>A, p.Gln1534= (NM_001128844.3); c.4512G>A, p.Gln1504= (NM_001128845.2); c.4509G>A, p.Gln1503= (NM_001128846.2); c.4503G>A, p.Gln1501= (NM_001128847.4, NM_001374457.1); c.4500G>A, p.Gln1500= (NM_001128848.2); c.4698G>A, p.Gln1566= (NM_001128849.3).
Identifiers: ClinVar variation 765235 (VCV000765235.12), dbSNP rs757889804, ClinGen allele CA9204804.

ClinVar aggregate classification (germline): Benign/Likely benign. Review status: criteria provided, multiple submitters, no conflicts (2 of 4 stars). 3 submissions from 3 submitters: Benign (1); Likely benign (2). Last evaluated 2026-07-23.

Conditions:
Hereditary cancer-predisposing syndrome. Also called: Hereditary neoplastic syndrome; Neoplastic Syndromes, Hereditary; Tumor predisposition; Hereditary Cancer Syndrome. Identifiers: Orphanet 140162, MedGen C0027672, MeSH D009386, MONDO:0015356.
Rhabdoid tumor predisposition syndrome 2 (RTPS2). Identifiers: Orphanet 231108, Orphanet 69077, MedGen C2750074, MONDO:0013224, OMIM 613325.

Allele frequency attached by ClinVar (database versions not stated): TOPMed below 0.00001.
gnomAD v4.1: 6 of 1,614,134 alleles (0.00037%); highest among the groups gnomAD compares: Non-Finnish European, 0.00051%; no homozygotes.

Submissions (3):

Myriad Genetics, Inc.
Classification: Benign for Rhabdoid tumor predisposition syndrome 2. Last evaluated: 2026-07-23. Review status: criteria provided, single submitter. Criteria: Myriad Autosomal Dominant, Autosomal Recessive and X-Linked Classification Criteria (2023). Collection method: clinical testing. Allele origin: unknown.
Comment: This variant is considered benign. This variant is a silent/synonymous amino acid change and it is not expected to impact splicing.

Labcorp Genetics (formerly Invitae), Labcorp
Classification: Likely benign for Rhabdoid tumor predisposition syndrome 2. Last evaluated: 2025-03-21. Review status: criteria provided, single submitter. Criteria: Invitae Variant Classification Sherloc (09022015). Collection method: clinical testing. Allele origin: germline.

Ambry Genetics
Classification: Likely benign for Hereditary cancer-predisposing syndrome. Last evaluated: 2020-07-20. Review status: criteria provided, single submitter. Criteria: Ambry Variant Classification Scheme 2023. Collection method: clinical testing. Allele origin: germline.